The following is an entry in ClinVar:

ClinVar aggregate classification (germline): Likely benign (1 of 4 stars; one submission).

gnomAD v4.1: 3 of 1,613,804 alleles (0.00019%); highest among the groups gnomAD compares: African/African-American, 0.0013%; no homozygotes.

Submission:

CeGaT Center for Human Genetics Tuebingen
Classification: Likely benign. Last evaluated: 2025-03-01. Review status: criteria provided, single submitter. Criteria: CeGaT Center For Human Genetics Tuebingen Variant Classification Criteria Version 2. Collection method: clinical testing. Allele origin: germline. Affected: yes. Observed: 1 variant allele.
Comment: USH1C: BP4, BP7

NM_153676.4(USH1C):c.1017G>A (p.Arg339=)

Gene: USH1C (USH1 protein network component harmonin; minus strand). Cytogenetic location: 11p15.1.
Variant type: single nucleotide variant.
Coding change: c.1017G>A on transcript NM_153676.4 (MANE Select); coding-DNA position 1017, G replaced by A.
Protein change: p.Arg339=; no amino-acid change (arginine 339 retained).
Molecular consequence: synonymous variant. On other transcripts: non-coding transcript variant (1).
Genome position (GRCh38, 1-based): chr11:17,522,786, C>T on the plus strand (G>A on the coding strand, the complement: USH1C is on the minus strand). VCF-style: chr11-17522786-C-T. GRCh37 (hg19) VCF-style: chr11-17544333-C-T.
Other names: c.960G>A, p.Arg320= (NM_001297764.2); c.1017G>A, p.Arg339= (NM_005709.4).
Identifiers: ClinVar variation 3778595 (VCV003778595.7).